The following is an entry in ClinVar:

ClinVar aggregate classification (germline): Pathogenic (1 of 4 stars; one submission).

Submission:

Labcorp Genetics (formerly Invitae), Labcorp
Classification: Pathogenic. Last evaluated: 2022-10-28. Review status: criteria provided, single submitter. Criteria: Invitae Variant Classification Sherloc (09022015). Collection method: clinical testing. Allele origin: germline.
Comment: For these reasons, this variant has been classified as Pathogenic. This variant has not been reported in the literature in individuals affected with ABCC8-related conditions. This variant is not present in population databases (gnomAD no frequency). This sequence change creates a premature translational stop signal (p.Trp1246*) in the ABCC8 gene. It is expected to result in an absent or disrupted protein product. Loss-of-function variants in ABCC8 are known to be pathogenic (PMID: 20685672, 23345197).

Literature cited by the submitters: PubMed 20685672; PubMed 23345197.

NM_000352.6(ABCC8):c.3738G>A (p.Trp1246Ter)

Gene: ABCC8 (ATP binding cassette subfamily C member 8; minus strand). Cytogenetic location: 11p15.1.
Variant type: single nucleotide variant.
Coding change: c.3738G>A on transcript NM_000352.6 (MANE Select); coding-DNA position 3738, G replaced by A.
Protein change: p.Trp1246Ter; replaces tryptophan 1246 with a stop codon.
Molecular consequence: nonsense. On other transcripts: non-coding transcript variant (1).
Genome position (GRCh38, 1-based): chr11:17,398,354, C>T on the plus strand (G>A on the coding strand, the complement: ABCC8 is on the minus strand). VCF-style: chr11-17398354-C-T. GRCh37 (hg19) VCF-style: chr11-17419901-C-T.
Other names: c.3735G>A, p.Trp1245Ter (NM_001351297.2); c.3741G>A, p.Trp1247Ter (NM_001287174.3); c.3804G>A, p.Trp1268Ter (NM_001351295.2); c.3738G>A, p.Trp1246Ter (NM_001351296.2); short protein forms W1246*, W1247*, W1245*, W1268*.
Identifiers: ClinVar variation 2810310 (VCV002810310.3), dbSNP rs2496475041, ClinGen allele CA379794016.